The following is an entry in ClinVar:

ClinVar aggregate classification (germline): Likely benign (1 of 4 stars; one submission).

gnomAD v4.1: 42 of 1,613,896 alleles (0.0026%); highest among the groups gnomAD compares: East Asian, 0.0089%; no homozygotes.

Submission:

CeGaT Center for Human Genetics Tuebingen
Classification: Likely benign. Last evaluated: 2026-08-01. Review status: criteria provided, single submitter. Criteria: CeGaT Center For Human Genetics Tuebingen Variant Classification Criteria Version 2. Collection method: clinical testing. Allele origin: germline. Affected: yes. Observed: 1 variant allele.
Comment: MAP1B: BP4

NM_005909.5(MAP1B):c.1669G>A (p.Val557Met)

Gene: MAP1B (microtubule associated protein 1B; plus strand). Cytogenetic location: 5q13.2.
Variant type: single nucleotide variant.
Coding change: c.1669G>A on transcript NM_005909.5 (MANE Select); coding-DNA position 1669, G replaced by A.
Protein change: p.Val557Met; replaces valine 557 with methionine.
Molecular consequence: missense variant.
Genome position (GRCh38, 1-based): chr5:72,195,024, G>A. VCF-style: chr5-72195024-G-A. GRCh37 (hg19) VCF-style: chr5-71490851-G-A.
Other names: c.1291G>A, p.Val431Met (NM_001324255.2); short protein forms V431M, V557M.
Identifiers: ClinVar variation 5038735 (VCV005038735.1).
Genomic context (GRCh38, chr5:72,195,024, plus strand): 5'-CAGAGGGCTGATAGCCGAGAAAGTCTGAAGCCAGCCGCAAAACCACTTCCTAGCAAATCC[G>A]TGCGCAAGGAGTCAAAAGAAGAAACCCCTGAGGTCACAAAAGTGAATCACGTGGAAAAGC-3'
Protein context (NP_005900.2, residues 547-567): PAAKPLPSKS[Val557Met]RKESKEETPE